The following is an entry in ClinVar:

NM_000478.6(ALPL):c.181+2T>C

Gene: ALPL (alkaline phosphatase, biomineralization associated; plus strand). Cytogenetic location: 1p36.12.
Variant type: single nucleotide variant.
Coding change: c.181+2T>C on transcript NM_000478.6 (MANE Select); the canonical splice donor site of the intron after coding-DNA position 181, T replaced by C.
Molecular consequence: splice donor variant.
Genome position (GRCh38, 1-based): chr1:21,560,747, T>C. VCF-style: chr1-21560747-T-C. GRCh37 (hg19) VCF-style: chr1-21887240-T-C.
Other names: c.181+2T>C (NM_001369805.2, NM_001369804.2, NM_001369803.2); c.16+2T>C (NM_001127501.4); c.66+2T>C (NM_001177520.3).
Identifiers: ClinVar variation 3895604 (VCV003895604.1).

ClinVar aggregate classification (germline): Likely pathogenic (1 of 4 stars; one submission).

Conditions:
Hypophosphatasia. Also called: Phosphoethanol-aminuria. Identifiers: Orphanet 436, MedGen C0020630, MeSH D007014, MONDO:0018570.

Submission:

Women's Health and Genetics/Laboratory Corporation of America, LabCorp
Classification: Likely pathogenic for Hypophosphatasia. Last evaluated: 2025-03-17. Review status: criteria provided, single submitter. Criteria: LabCorp Variant Classification Summary - May 2015. Collection method: clinical testing. Allele origin: germline.
Comment: Variant summary: ALPL c.181+2T>C is located in a canonical splice-site and is predicted to affect mRNA splicing resulting in a significantly altered protein due to either exon skipping, shortening, or inclusion of intronic material. Variants that disrupt the consensus splice site are a relatively common cause of aberrant splicing and loss of ALPL function. Several computational tools predict a significant impact on normal splicing: Four predict the variant abolishes a 5' splicing donor site. However, these predictions have yet to be confirmed by functional studies. The variant was absent in 251116 control chromosomes. To our knowledge, no occurrence of c.181+2T>C in individuals affected with Hypophosphatasia and no experimental evidence demonstrating its impact on protein function have been reported. No submitters have cited clinical-significance assessments for this variant to ClinVar. Based on the evidence outlined above, the variant was classified as likely pathogenic.